The following is an entry in ClinVar:

ClinVar aggregate classification (germline): Likely pathogenic (1 of 4 stars; one submission).

Conditions:
Familial thoracic aortic aneurysm and aortic dissection (TAAD). Also called: Thoracic aortic aneurysms and dissections. Identifiers: Orphanet 91387, MedGen C4707243, MONDO:0019625.

Submission:

Ambry Genetics
Classification: Likely pathogenic for Familial thoracic aortic aneurysm and aortic dissection. Last evaluated: 2025-07-17. Review status: criteria provided, single submitter. Criteria: Ambry Variant Classification Scheme 2023. Collection method: clinical testing. Allele origin: germline.
Comment: The p.C1425F variant (also known as c.4274G>T), located in coding exon 33 of the FBN2 gene, results from a G to T substitution at nucleotide position 4274. The cysteine at codon 1425 is replaced by phenylalanine, an amino acid with highly dissimilar properties. In one study, 13 of 14 reportedFBN2mutations were located in the middle region of the gene (exons24-36), and 7of these mutations were noted to alter or produce a cysteine residue (CallewaertBL et al.HumMutat. 2009;30(3):334-341). This variant was reported in individual(s) with features consistent with congenital contractural arachnodactyly (Fr&eacute;d&eacute;ric MY et al. Hum Mutat, 2009 Feb;30:181-90). Other variant(s) at the same codon, p.C1425Y (c.4274G>A), have been identified in individual(s) with features consistent with congenital contractural arachnodactyly; in at least one individual, it was determined to be de novo (Chen Y et al. Genet Test Mol Biomarkers, 2009 Jun;13:295-300). This variant is considered to be rare based on population cohorts in the Genome Aggregation Database (gnomAD). This amino acid position is highly conserved in available vertebrate species. In addition, this alteration is predicted to be deleterious by in silico analysis. Based on the majority of available evidence to date, this variant is likely to be pathogenic.

Literature cited by the submitters: PubMed 18767143.

NM_001999.4(FBN2):c.4274G>T (p.Cys1425Phe)

Gene: FBN2 (fibrillin 2; minus strand). Cytogenetic location: 5q23.3.
Variant type: single nucleotide variant.
Coding change: c.4274G>T on transcript NM_001999.4 (MANE Select); coding-DNA position 4274, G replaced by T.
Protein change: p.Cys1425Phe; replaces cysteine 1425 with phenylalanine.
Molecular consequence: missense variant.
Genome position (GRCh38, 1-based): chr5:128,330,644, C>A on the plus strand (G>T on the coding strand, the complement: FBN2 is on the minus strand). VCF-style: chr5-128330644-C-A. GRCh37 (hg19) VCF-style: chr5-127666336-C-A.
Other names: short protein forms C1425F.
Identifiers: ClinVar variation 4255472 (VCV004255472.1).